The following is an entry in ClinVar:

NM_015338.6(ASXL1):c.3706T>G (p.Ser1236Ala)

Gene: ASXL1 (ASXL transcriptional regulator 1; plus strand). Cytogenetic location: 20q11.21.
Variant type: single nucleotide variant.
Coding change: c.3706T>G on transcript NM_015338.6 (MANE Select); coding-DNA position 3706, T replaced by G.
Protein change: p.Ser1236Ala; replaces serine 1236 with alanine.
Molecular consequence: missense variant.
Genome position (GRCh38, 1-based): chr20:32,436,418, T>G. VCF-style: chr20-32436418-T-G. GRCh37 (hg19) VCF-style: chr20-31024221-T-G.
Other names: c.3523T>G, p.Ser1175Ala (NM_001363734.1); short protein forms S1175A, S1236A.
Identifiers: ClinVar variation 4806318 (VCV004806318.1).

ClinVar aggregate classification (germline): Uncertain significance (1 of 4 stars; one submission).

Submission:

Labcorp Genetics (formerly Invitae), Labcorp
Classification: Uncertain significance. Last evaluated: 2025-10-02. Review status: criteria provided, single submitter. Criteria: Invitae Variant Classification Sherloc (09022015). Collection method: clinical testing. Allele origin: germline.
Comment: This sequence change replaces serine, which is neutral and polar, with alanine, which is neutral and non-polar, at codon 1236 of the ASXL1 protein (p.Ser1236Ala). This variant is present in population databases (rs780599775, gnomAD 0.008%). This variant has not been reported in the literature in individuals affected with ASXL1-related conditions. An algorithm developed to predict the effect of missense changes on protein structure and function (PolyPhen-2) suggests that this variant is likely to be disruptive. In summary, the available evidence is currently insufficient to determine the role of this variant in disease. Therefore, it has been classified as a Variant of Uncertain Significance.